The following is an entry in ClinVar:

NM_004429.5(EFNB1):c.474G>A (p.Met158Ile)

Gene: EFNB1 (ephrin B1; plus strand). Cytogenetic location: Xq13.1.
Variant type: single nucleotide variant.
Coding change: c.474G>A on transcript NM_004429.5 (MANE Select); coding-DNA position 474, G replaced by A.
Protein change: p.Met158Ile; replaces methionine 158 with isoleucine.
Molecular consequence: missense variant.
Genome position (GRCh38, 1-based): chrX:68,839,731, G>A. VCF-style: chrX-68839731-G-A. GRCh37 (hg19) VCF-style: chrX-68059574-G-A.
Other names: short protein forms M158I.
Identifiers: ClinVar variation 2573204 (VCV002573204.1), dbSNP rs28935170, ClinGen allele CA413438031.

ClinVar aggregate classification (germline): Pathogenic (1 of 4 stars; one submission).

Conditions:
Craniofrontonasal syndrome (CFNS). Also called: CRANIOFRONTONASAL DYSOSTOSIS. Identifiers: Orphanet 1520, MedGen C0220767, MONDO:0010570, OMIM 304110.

Submission:

Diagnostics Services (NGS), CSIR - Centre For Cellular And Molecular Biology
Classification: Pathogenic for Craniofrontonasal syndrome. Last evaluated: 2023-07-24. Review status: criteria provided, single submitter. Criteria: ACMG Guidelines, 2015. Collection method: clinical testing. Allele origin: unknown. Affected: yes. Observed: 1 variant allele, 1 heterozygote.
Comment: The c.474G>A variant is not present in publicly available population databases like 1000 Genomes, ExAC, EVS, gnomAD, Indian Exome Database or our in-house exome database. This particular variant has not been published in literature for EFNB1-related conditions, however, same amino acid change with a different alternate allele (c.474G>T, p.Met158Ile) has been previously observed in affected individuals, published in literature [PMIDs: 15166289, 18391498, 20643727] and reported to the clinical databases like Human Gene Mutation Database (HGMD ID: CM041300), ClinVar (Accession: VCV000011712.1) and OMIM (ID: 300035.0007) as ‘pathogenic’. In-silico pathogenicity programs like SIFT, PolyPhen-2, MutationTaster2, CADD, Varsome, Franklin, InterVar etc predicted this variant to be likely deleterious. This variant is located in a mutational hotspot region of the gene and alternate variants in the same amino acid position (Met158Val, Met158Arg, Met158Thr) have been previously observed in patients and reported to the clinical databases as ‘pathogenic / likely pathogenic’.

Literature cited by the submitters: PubMed 15166289; PubMed 18391498; PubMed 20643727.